The following is an entry in ClinVar:

ClinVar aggregate classification (germline): Uncertain significance (1 of 4 stars; one submission).

Conditions:
Fanconi anemia complementation group A (FANCA). Also called: FANCA-Related Fanconi Anemia; Fanconi anemia, group A. Identifiers: Orphanet 84, MedGen C3469521, MONDO:0009215, OMIM 227650.

Allele frequency attached by ClinVar (database versions not stated): TOPMed 0.00001.
gnomAD v4.1: 6 of 1,611,144 alleles (0.00037%); highest among the groups gnomAD compares: Non-Finnish European, 0.00051%; no homozygotes.

Submission:

Baylor Genetics
Classification: Uncertain significance for Fanconi anemia complementation group A. Last evaluated: 2020-12-09. Review status: criteria provided, single submitter. Criteria: ACMG Guidelines, 2015. Collection method: clinical testing. Allele origin: unknown. Affected: yes. Study: CSER-TexasKidsCanSeq.
Comment: This variant was determined to be of uncertain significance according to ACMG Guidelines, 2015 [PMID:25741868].

NM_000135.4(FANCA):c.3626+5G>C

Gene: FANCA (FA complementation group A; minus strand). Cytogenetic location: 16q24.3.
Variant type: single nucleotide variant.
Coding change: c.3626+5G>C on transcript NM_000135.4 (MANE Select); 5 bases into the intron after coding-DNA position 3626, G replaced by C.
Molecular consequence: intron variant.
Genome position (GRCh38, 1-based): chr16:89,744,954, C>G on the plus strand (G>C on the coding strand, the complement: FANCA is on the minus strand). VCF-style: chr16-89744954-C-G. GRCh37 (hg19) VCF-style: chr16-89811362-C-G.
Other names: c.3626+5G>C (NM_001286167.3).
Identifiers: ClinVar variation 998184 (VCV000998184.1), dbSNP rs370801038, ClinGen allele CA8251073.
Genomic context (GRCh38, chr16:89,744,954, plus strand): 5'-ATGACCTTGAGCAGGTCCCGAAGTGCATCTGGGCGGGCACACCCCATCTCACCACCCACA[C>G]GTACTCGCTGGCAAACTGCCGGCCTTCTTGTAGCTTCTGCAGTTCCCGGGGCAGCGGGCT-3'